The following is an entry in ClinVar:

ClinVar aggregate classification (germline): Uncertain significance. Review status: criteria provided, multiple submitters, no conflicts (2 of 4 stars). 2 submissions from 2 submitters: Uncertain significance (2). Last evaluated 2023-01-04.

Conditions:
Inborn genetic diseases. Identifiers: MedGen C0950123, MeSH D030342.

gnomAD v4.1: 6 of 1,612,574 alleles (0.00037%); highest among the groups gnomAD compares: Non-Finnish European, 0.00051%; no homozygotes.

Submissions (2):

Athena Diagnostics
Classification: Uncertain significance. Last evaluated: 2023-01-04. Review status: criteria provided, single submitter. Criteria: Athena Diagnostics Criteria. Collection method: clinical testing. Allele origin: unknown.
Comment: Available data are insufficient to determine the clinical significance of the variant at this time. This variant has not been reported in large, multi-ethnic general populations. Computational tools disagree on the variant's effect on normal protein function.

Ambry Genetics
Classification: Uncertain significance for Inborn genetic diseases. Last evaluated: 2022-12-06. Review status: criteria provided, single submitter. Criteria: Ambry Variant Classification Scheme 2023. Collection method: clinical testing. Allele origin: germline.

NM_201384.3(PLEC):c.1834C>A (p.Leu612Ile)

Gene: PLEC (plectin; minus strand). Cytogenetic location: 8q24.3.
Variant type: single nucleotide variant.
Coding change: c.1834C>A on transcript NM_201384.3 (MANE Select); coding-DNA position 1834, C replaced by A.
Protein change: p.Leu612Ile; replaces leucine 612 with isoleucine.
Molecular consequence: missense variant.
Genome position (GRCh38, 1-based): chr8:143,932,543, G>T on the plus strand (C>A on the coding strand, the complement: PLEC is on the minus strand). VCF-style: chr8-143932543-G-T. GRCh37 (hg19) VCF-style: chr8-145006711-G-T.
Other names: c.1915C>A, p.Leu639Ile (NM_000445.5, NM_001410941.1); c.1792C>A, p.Leu598Ile (NM_201378.4); c.1768C>A, p.Leu590Ile (NM_201379.3); c.2245C>A, p.Leu749Ile (NM_201380.4); c.1738C>A, p.Leu580Ile (NM_201381.3); c.1834C>A, p.Leu612Ile (NM_201382.4); c.1846C>A, p.Leu616Ile (NM_201383.3); short protein forms L590I, L616I, L749I, L612I, L639I, L580I, L598I.
Identifiers: ClinVar variation 2333371 (VCV002333371.3), dbSNP rs782249405, ClinGen allele CA372578652.